The following is an entry in ClinVar:

NM_005051.3(QARS1):c.693C>T (p.Phe231=)

Gene: QARS1 (glutaminyl-tRNA synthetase 1; minus strand). Cytogenetic location: 3p21.31.
Variant type: single nucleotide variant.
Coding change: c.693C>T on transcript NM_005051.3 (MANE Select); coding-DNA position 693, C replaced by T.
Protein change: p.Phe231=; no amino-acid change (phenylalanine 231 retained).
Molecular consequence: synonymous variant. On other transcripts: non-coding transcript variant (1).
Genome position (GRCh38, 1-based): chr3:49,101,838, G>A on the plus strand (C>T on the coding strand, the complement: QARS1 is on the minus strand). VCF-style: chr3-49101838-G-A. GRCh37 (hg19) VCF-style: chr3-49139271-G-A.
Other names: c.660C>T, p.Phe220= (NM_001272073.2).
Identifiers: ClinVar variation 383698 (VCV000383698.9), dbSNP rs760938297, ClinGen allele CA2392057.

ClinVar aggregate classification (germline): Likely benign. Review status: criteria provided, multiple submitters, no conflicts (2 of 4 stars). 2 submissions from 2 submitters: Likely benign (2). Last evaluated 2025-09-23.

Conditions:
Diffuse cerebral and cerebellar atrophy - intractable seizures - progressive microcephaly syndrome. Also called: Microcephaly, progressive, with seizures and cerebral and cerebellar atrophy. Identifiers: Orphanet 404437, MedGen C4014239, MONDO:0014335, OMIM 615760.

Allele frequency attached by ClinVar (database versions not stated): TOPMed below 0.00001; gnomAD exomes 0.00002 and 0.00003; ExAC 0.00005.
gnomAD v4.1: 21 of 1,612,460 alleles (0.0013%); highest among the groups gnomAD compares: Non-Finnish European, 0.0018%; no homozygotes.

Submissions (2):

Labcorp Genetics (formerly Invitae), Labcorp
Classification: Likely benign for Diffuse cerebral and cerebellar atrophy - intractable seizures - progressive microcephaly syndrome. Last evaluated: 2025-09-23. Review status: criteria provided, single submitter. Criteria: Invitae Variant Classification Sherloc (09022015). Collection method: clinical testing. Allele origin: germline.

GeneDx
Classification: Likely benign. Last evaluated: 2016-02-22. Review status: criteria provided, single submitter. Criteria: GeneDx Variant Classification (06012015). Collection method: clinical testing. Allele origin: germline. Affected: yes.
Comment: This variant is considered likely benign or benign based on one or more of the following criteria: it is a conservative change, it occurs at a poorly conserved position in the protein, it is predicted to be benign by multiple in silico algorithms, and/or has population frequency not consistent with disease.